The following is an entry in ClinVar:

ClinVar aggregate classification (germline): Pathogenic (1 of 4 stars; one submission).

Conditions:
Hereditary cancer-predisposing syndrome. Also called: Tumor predisposition; Neoplastic Syndromes, Hereditary; Hereditary neoplastic syndrome; Hereditary Cancer Syndrome. Identifiers: Orphanet 140162, MedGen C0027672, MeSH D009386, MONDO:0015356.

Submission:

Ambry Genetics
Classification: Pathogenic for Hereditary cancer-predisposing syndrome. Last evaluated: 2024-07-13. Review status: criteria provided, single submitter. Criteria: Ambry Variant Classification Scheme 2023. Collection method: clinical testing. Allele origin: germline.
Comment: The c.2147_2154dupATGAATAT pathogenic mutation, located in coding exon 14 of the SMARCA4 gene, results from a duplication of ATGAATAT at nucleotide position 2147, causing a translational frameshift with a predicted alternate stop codon (p.G719Mfs*58). This alteration is expected to result in loss of function by premature protein truncation or nonsense-mediated mRNA decay. This variant is considered to be rare based on population cohorts in the Genome Aggregation Database (gnomAD). Loss-of-function variants in SMARCA4 are known to cause rhabdoid tumor predisposition syndrome including small cell carcinoma of the ovary-hypercalcemic type (SCCOHT); however, such associations with neurodevelopmental disorders are exceedingly rare (Kosho T et al. Am J Med Genet C Semin Med Genet. 2014 Sep;166C(3):262-75; Jelinic P et al. Nat Genet. 2014 May;46(5):424-6). Based on the supporting evidence, this alteration is pathogenic for rhabdoid tumor predisposition syndrome; however, the association of this alteration with Coffin-Siris syndrome is unlikely.

NM_003072.5(SMARCA4):c.2147_2154dup (p.Gly719fs)

Gene: SMARCA4 (SWI/SNF related BAF chromatin remodeling complex subunit ATPase 4; plus strand). Cytogenetic location: 19p13.2.
Variant type: Duplication.
Coding change: c.2147_2154dup on transcript NM_003072.5 (MANE Select); coding-DNA positions 2147 to 2154, 8 bases duplicated (ATGAATAT; older notation c.2147_2154dupATGAATAT).
Protein change: p.Gly719fs; shifts the reading frame from glycine 719.
Molecular consequence: frameshift variant. On other transcripts: non-coding transcript variant (1).
Genome position (GRCh38, 1-based): chr19:11,010,404-11,010,411, ATGAATAT duplicated. VCF-style (leftmost placement, unchanged base first): chr19-11010403-G-GATGAATAT. GRCh37 (hg19) VCF-style: chr19-11121079-G-GATGAATAT.
Other names: c.2147_2154dup, p.Gly719fs (NM_001128844.3, NM_001128845.2, NM_001128846.2 and 6 more transcripts); short protein forms G719fs.
Identifiers: ClinVar variation 3445969 (VCV003445969.1).